The following is an entry in ClinVar:

NM_014956.5(CEP164):c.1321C>T (p.Gln441Ter)

Gene: CEP164 (centrosomal protein 164; plus strand). Cytogenetic location: 11q23.3.
Variant type: single nucleotide variant.
Coding change: c.1321C>T on transcript NM_014956.5 (MANE Select); coding-DNA position 1321, C replaced by T.
Protein change: p.Gln441Ter; replaces glutamine 441 with a stop codon.
Molecular consequence: nonsense.
Genome position (GRCh38, 1-based): chr11:117,380,617, C>T. VCF-style: chr11-117380617-C-T. GRCh37 (hg19) VCF-style: chr11-117251333-C-T.
Other names: c.1321C>T, p.Gln441Ter (NM_001271933.2); short protein forms Q441*.
Identifiers: ClinVar variation 3721787 (VCV003721787.2).
Genomic context (GRCh38, chr11:117,380,617, plus strand): 5'-GGAGGGACCCAAATGCAGTCCCTCCAACACAAACTTTTTATTGCTTCTCTCCTACAGGCC[C>T]AGCAACCACTGGGAATAGAAGACAAGGATGACAGCCAGTCCAGCCAAGATGAGCTGCAGA-3'

ClinVar aggregate classification (germline): Pathogenic (1 of 4 stars; one submission).

Conditions:
Nephronophthisis 15 (NPHP15). Identifiers: Orphanet 3156, MedGen C3541853, MONDO:0013917, OMIM 614845.

gnomAD v4.1: 1 of 1,598,548 alleles (0.000063%); highest among the groups gnomAD compares: Non-Finnish European, 0.000085%; no homozygotes.

Submission:

Labcorp Genetics (formerly Invitae), Labcorp
Classification: Pathogenic for Nephronophthisis 15. Last evaluated: 2024-09-29. Review status: criteria provided, single submitter. Criteria: Invitae Variant Classification Sherloc (09022015). Collection method: clinical testing. Allele origin: germline.
Comment: This sequence change creates a premature translational stop signal (p.Gln441*) in the CEP164 gene. It is expected to result in an absent or disrupted protein product. Loss-of-function variants in CEP164 are known to be pathogenic (PMID: 22863007, 28125082, 32367404, 34132027, 34499853). This variant is not present in population databases (gnomAD no frequency). This variant has not been reported in the literature in individuals affected with CEP164-related conditions. For these reasons, this variant has been classified as Pathogenic.

Literature cited by the submitters: PubMed 22863007; PubMed 28125082; PubMed 32367404; PubMed 34132027; PubMed 34499853.